The following is an entry in ClinVar:

NM_016180.5(SLC45A2):c.340C>T (p.Leu114Phe)

Gene: SLC45A2 (solute carrier family 45 member 2; minus strand). Cytogenetic location: 5p13.2.
Variant type: single nucleotide variant.
Coding change: c.340C>T on transcript NM_016180.5 (MANE Select); coding-DNA position 340, C replaced by T.
Protein change: p.Leu114Phe; replaces leucine 114 with phenylalanine.
Molecular consequence: missense variant.
Genome position (GRCh38, 1-based): chr5:33,984,244, G>A on the plus strand (C>T on the coding strand, the complement: SLC45A2 is on the minus strand). VCF-style: chr5-33984244-G-A. GRCh37 (hg19) VCF-style: chr5-33984349-G-A.
Other names: c.340C>T, p.Leu114Phe (NM_001012509.4, NM_001297417.4); short protein forms L114F.
Identifiers: ClinVar variation 1390534 (VCV001390534.6), dbSNP rs773295359, ClinGen allele CA359397325.

ClinVar aggregate classification (germline): Uncertain significance (1 of 4 stars; one submission).

Allele frequency attached by ClinVar (database versions not stated): TOPMed below 0.00001.

Submission:

Labcorp Genetics (formerly Invitae), Labcorp
Classification: Uncertain significance. Last evaluated: 2024-01-02. Review status: criteria provided, single submitter. Criteria: Invitae Variant Classification Sherloc (09022015). Collection method: clinical testing. Allele origin: germline.
Comment: This sequence change replaces leucine, which is neutral and non-polar, with phenylalanine, which is neutral and non-polar, at codon 114 of the SLC45A2 protein (p.Leu114Phe). This variant is not present in population databases (gnomAD no frequency). This variant has not been reported in the literature in individuals affected with SLC45A2-related conditions. ClinVar contains an entry for this variant (Variation ID: 1390534). Advanced modeling of protein sequence and biophysical properties (such as structural, functional, and spatial information, amino acid conservation, physicochemical variation, residue mobility, and thermodynamic stability) performed at Invitae indicates that this missense variant is not expected to disrupt SLC45A2 protein function with a negative predictive value of 80%. In summary, the available evidence is currently insufficient to determine the role of this variant in disease. Therefore, it has been classified as a Variant of Uncertain Significance.